The following is an entry in ClinVar:

NM_024422.6(DSC2):c.2570A>G (p.Tyr857Cys)

Gene: DSC2 (desmocollin 2; minus strand). Cytogenetic location: 18q12.1.
Variant type: single nucleotide variant.
Coding change: c.2570A>G on transcript NM_024422.6 (MANE Select); coding-DNA position 2570, A replaced by G.
Protein change: p.Tyr857Cys; replaces tyrosine 857 with cysteine.
Molecular consequence: missense variant. On other transcripts: 3 prime UTR variant (1).
Genome position (GRCh38, 1-based): chr18:31,068,151, T>C on the plus strand (A>G on the coding strand, the complement: DSC2 is on the minus strand). VCF-style: chr18-31068151-T-C. GRCh37 (hg19) VCF-style: chr18-28648117-T-C.
Other names: c.*72A>G (NM_004949.5); short protein forms Y857C.
Identifiers: ClinVar variation 923961 (VCV000923961.7), dbSNP rs1986692806, ClinGen allele CA402110632.

ClinVar aggregate classification (germline): Uncertain significance. Review status: criteria provided, multiple submitters, no conflicts (2 of 4 stars). 3 submissions from 3 submitters: Uncertain significance (3). Last evaluated 2025-05-22.

Conditions:
Cardiomyopathy (CMYO). Also called: Cardiomyopathies. Identifiers: Orphanet 167848, MedGen C0878544, MONDO:0004994, HP:0001638. Inheritance: Various modes of inheritance.
Arrhythmogenic right ventricular dysplasia 11. Also called: ARRHYTHMOGENIC RIGHT VENTRICULAR DYSPLASIA, FAMILIAL, 11; Arrhythmogenic Right Ventricular Dysplasia/Cardiomyopathy11; Arrhythmogenic right ventricular dysplasia 11 with mild palmoplantar keratoderma and woolly hair. Identifiers: MedGen C1864850, MONDO:0012506, OMIM 610476.

Allele frequency attached by ClinVar (database versions not stated): gnomAD exomes below 0.00001.
gnomAD v4.1: 1 of 1,614,118 alleles (0.000062%); highest among the groups gnomAD compares: South Asian, 0.0011%; no homozygotes.

Submissions (3):

GeneDx
Classification: Uncertain significance. Last evaluated: 2025-05-22. Review status: criteria provided, single submitter. Criteria: GeneDx Variant Classification Process June 2021. Collection method: clinical testing. Allele origin: germline. Affected: yes.
Comment: Not observed at significant frequency in large population cohorts (gnomAD); In silico analysis supports that this missense variant has a deleterious effect on protein structure/function; Has not been previously published as pathogenic or benign to our knowledge

Labcorp Genetics (formerly Invitae), Labcorp
Classification: Uncertain significance for Arrhythmogenic right ventricular dysplasia 11. Last evaluated: 2024-10-10. Review status: criteria provided, single submitter. Criteria: Invitae Variant Classification Sherloc (09022015). Collection method: clinical testing. Allele origin: germline.
Comment: This sequence change replaces tyrosine, which is neutral and polar, with cysteine, which is neutral and slightly polar, at codon 857 of the DSC2 protein (p.Tyr857Cys). This variant is not present in population databases (gnomAD no frequency). This variant has not been reported in the literature in individuals affected with DSC2-related conditions. ClinVar contains an entry for this variant (Variation ID: 923961). An algorithm developed to predict the effect of missense changes on protein structure and function (PolyPhen-2) suggests that this variant is likely to be disruptive. In summary, the available evidence is currently insufficient to determine the role of this variant in disease. Therefore, it has been classified as a Variant of Uncertain Significance.

Color Diagnostics, LLC DBA Color Health
Classification: Uncertain significance for Cardiomyopathy. Last evaluated: 2024-03-06. Review status: criteria provided, single submitter. Criteria: ACMG Guidelines, 2015. Collection method: clinical testing. Allele origin: germline.
Comment: This missense variant replaces tyrosine with cysteine at codon 857 of the DSC2 protein. Computational prediction suggests that this variant may have deleterious impact on protein structure and function (internally defined REVEL score threshold >= 0.7, PMID: 27666373). Splice site prediction tools suggest that this variant may not impact RNA splicing. To our knowledge, functional studies have not been performed for this variant. This variant has not been reported in individuals affected with cardiovascular disorders in the literature. This variant has not been identified in the general population by the Genome Aggregation Database (gnomAD). The available evidence is insufficient to determine the role of this variant in disease conclusively. Therefore, this variant is classified as a Variant of Uncertain Significance.